The following is an entry in ClinVar:

ClinVar aggregate classification (germline): Pathogenic (1 of 4 stars; one submission).

Submission:

Labcorp Genetics (formerly Invitae), Labcorp
Classification: Pathogenic. Last evaluated: 2023-07-28. Review status: criteria provided, single submitter. Criteria: Invitae Variant Classification Sherloc (09022015). Collection method: clinical testing. Allele origin: germline.
Comment: This sequence change creates a premature translational stop signal (p.Lys995*) in the POLE gene. It is expected to result in an absent or disrupted protein product. Loss-of-function variants in POLE are known to be pathogenic (PMID: 23230001, 25948378, 30503519). This variant is not present in population databases (gnomAD no frequency). This variant has not been reported in the literature in individuals affected with POLE-related conditions. For these reasons, this variant has been classified as Pathogenic.

Literature cited by the submitters: PubMed 23230001; PubMed 25948378; PubMed 30503519.

NM_006231.4(POLE):c.2983A>T (p.Lys995Ter)

Gene: POLE (DNA polymerase epsilon, catalytic subunit; minus strand). Cytogenetic location: 12q24.33.
Variant type: single nucleotide variant.
Coding change: c.2983A>T on transcript NM_006231.4 (MANE Select); coding-DNA position 2983, A replaced by T.
Protein change: p.Lys995Ter; replaces lysine 995 with a stop codon.
Molecular consequence: nonsense.
Genome position (GRCh38, 1-based): chr12:132,661,046, T>A on the plus strand (A>T on the coding strand, the complement: POLE is on the minus strand). VCF-style: chr12-132661046-T-A. GRCh37 (hg19) VCF-style: chr12-133237632-T-A.
Other names: short protein forms K995*.
Identifiers: ClinVar variation 2747547 (VCV002747547.3), dbSNP rs2138690149, ClinGen allele CA387392392.